The following is an entry in ClinVar:

ClinVar aggregate classification (germline): Uncertain significance. Review status: criteria provided, multiple submitters, no conflicts (2 of 4 stars). 2 submissions from 2 submitters: Uncertain significance (2). Last evaluated 2025-11-17.

Allele frequency attached by ClinVar (database versions not stated): TOPMed 0.00001; gnomAD 0.00002.

Submissions (2):

Labcorp Genetics (formerly Invitae), Labcorp
Classification: Uncertain significance. Last evaluated: 2025-11-17. Review status: criteria provided, single submitter. Criteria: Invitae Variant Classification Sherloc (09022015). Collection method: clinical testing. Allele origin: germline.
Comment: This sequence change replaces leucine, which is neutral and non-polar, with valine, which is neutral and non-polar, at codon 930 of the HYOU1 protein (p.Leu930Val). This variant is present in population databases (rs782013101, gnomAD 0.01%). This variant has not been reported in the literature in individuals affected with HYOU1-related conditions. ClinVar contains an entry for this variant (Variation ID: 1979072). An algorithm developed to predict the effect of missense changes on protein structure and function outputs the following: PolyPhen-2: "Benign". The valine amino acid residue is found in multiple mammalian species, which suggests that this missense change does not adversely affect protein function. In summary, the available evidence is currently insufficient to determine the role of this variant in disease. Therefore, it has been classified as a Variant of Uncertain Significance.

Ambry Genetics
Classification: Uncertain significance. Last evaluated: 2024-10-11. Review status: criteria provided, single submitter. Criteria: Ambry Variant Classification Scheme 2023. Collection method: clinical testing. Allele origin: germline.

NM_006389.5(HYOU1):c.2788C>G (p.Leu930Val)

Gene: HYOU1 (hypoxia up-regulated 1; minus strand). Cytogenetic location: 11q23.3.
Variant type: single nucleotide variant.
Coding change: c.2788C>G on transcript NM_006389.5 (MANE Select); coding-DNA position 2788, C replaced by G.
Protein change: p.Leu930Val; replaces leucine 930 with valine.
Molecular consequence: missense variant.
Genome position (GRCh38, 1-based): chr11:119,046,610, G>C on the plus strand (C>G on the coding strand, the complement: HYOU1 is on the minus strand). VCF-style: chr11-119046610-G-C. GRCh37 (hg19) VCF-style: chr11-118917322-G-C.
Other names: c.2788C>G (NM_006389.3); c.2788C>G, p.Leu930Val (NM_001130991.3, NM_001411041.1); short protein forms L930V.
Identifiers: ClinVar variation 1979072 (VCV001979072.5), dbSNP rs782013101, ClinGen allele CA229616824.